The following is an entry in ClinVar:

NM_000138.5(FBN1):c.3505G>C (p.Gly1169Arg)

Gene: FBN1 (fibrillin 1; minus strand). Cytogenetic location: 15q21.1.
Variant type: single nucleotide variant.
Coding change: c.3505G>C on transcript NM_000138.5 (MANE Select); coding-DNA position 3505, G replaced by C.
Protein change: p.Gly1169Arg; replaces glycine 1169 with arginine.
Molecular consequence: missense variant.
Genome position (GRCh38, 1-based): chr15:48,487,159, C>G on the plus strand (G>C on the coding strand, the complement: FBN1 is on the minus strand). VCF-style: chr15-48487159-C-G. GRCh37 (hg19) VCF-style: chr15-48779356-C-G.
Other names: c.3505G>C, p.Gly1169Arg (NM_001406716.1); short protein forms G1169R.
Identifiers: ClinVar variation 2921340 (VCV002921340.3), dbSNP rs2505549396, ClinGen allele CA392325215.

ClinVar aggregate classification (germline): Likely pathogenic (1 of 4 stars; one submission).

Conditions:
Marfan syndrome (MFS). Also called: MARFAN SYNDROME, TYPE I; Marfan syndrome type 1; Marfan's syndrome; Marfan syndrome, classic; FBN1-Related Marfan Syndrome. Identifiers: Orphanet 284963, Orphanet 558, MedGen C0024796, MONDO:0007947, OMIM 154700.
Familial thoracic aortic aneurysm and aortic dissection (TAAD). Also called: Thoracic aortic aneurysms and dissections. Identifiers: Orphanet 91387, MedGen C4707243, MONDO:0019625.

Submission:

Labcorp Genetics (formerly Invitae), Labcorp
Classification: Likely pathogenic for Marfan syndrome; Familial thoracic aortic aneurysm and aortic dissection. Last evaluated: 2023-12-12. Review status: criteria provided, single submitter. Criteria: Invitae Variant Classification Sherloc (09022015). Collection method: clinical testing. Allele origin: germline.
Comment: This sequence change replaces glycine, which is neutral and non-polar, with arginine, which is basic and polar, at codon 1169 of the FBN1 protein (p.Gly1169Arg). This variant is not present in population databases (gnomAD no frequency). This missense change has been observed in individual(s) with clinical features consistent with Marfan syndrome (Invitae). Advanced modeling of protein sequence and biophysical properties (such as structural, functional, and spatial information, amino acid conservation, physicochemical variation, residue mobility, and thermodynamic stability) performed at Invitae indicates that this missense variant is expected to disrupt FBN1 protein function with a positive predictive value of 95%. This variant disrupts the p.Gly1169 amino acid residue in FBN1. Other variant(s) that disrupt this residue have been determined to be pathogenic (Invitae). This suggests that this residue is clinically significant, and that variants that disrupt this residue are likely to be disease-causing. In summary, the currently available evidence indicates that the variant is pathogenic, but additional data are needed to prove that conclusively. Therefore, this variant has been classified as Likely Pathogenic.